The following is an entry in ClinVar:

ClinVar aggregate classification (germline): Conflicting classifications of pathogenicity. Review status: criteria provided, conflicting classifications (1 of 4 stars). 2 submissions from 2 submitters: Uncertain significance (1); Likely benign (1). Last evaluated 2025-06-23.

Conditions:
Inborn genetic diseases. Identifiers: MedGen C0950123, MeSH D030342.
Aicardi-Goutieres syndrome 2. Identifiers: Orphanet 51, MedGen C3489724, MONDO:0012429, OMIM 610181.

Allele frequency attached by ClinVar (database versions not stated): gnomAD exomes below 0.00001; gnomAD 0.00001; TOPMed 0.00001.
gnomAD v4.1: 2 of 1,613,728 alleles (0.00012%); highest among the groups gnomAD compares: Non-Finnish European, 0.00017%; no homozygotes.

Submissions (2):

Labcorp Genetics (formerly Invitae), Labcorp
Classification: Uncertain significance for Aicardi-Goutieres syndrome 2. Last evaluated: 2025-06-23. Review status: criteria provided, single submitter. Criteria: Invitae Variant Classification Sherloc (09022015). Collection method: clinical testing. Allele origin: germline.
Comment: This sequence change replaces valine, which is neutral and non-polar, with methionine, which is neutral and non-polar, at codon 91 of the RNASEH2B protein (p.Val91Met). This variant is not present in population databases (gnomAD no frequency). This variant has not been reported in the literature in individuals affected with RNASEH2B-related conditions. ClinVar contains an entry for this variant (Variation ID: 2272439). An algorithm developed to predict the effect of missense changes on protein structure and function outputs the following: PolyPhen-2: "Benign". The methionine amino acid residue is found in multiple mammalian species, which suggests that this missense change does not adversely affect protein function. In summary, the available evidence is currently insufficient to determine the role of this variant in disease. Therefore, it has been classified as a Variant of Uncertain Significance.

Ambry Genetics
Classification: Likely benign for Inborn genetic diseases. Last evaluated: 2022-01-19. Review status: criteria provided, single submitter. Criteria: Ambry Variant Classification Scheme 2023. Collection method: clinical testing. Allele origin: germline.

NM_024570.4(RNASEH2B):c.271G>A (p.Val91Met)

Gene: RNASEH2B (ribonuclease H2 subunit B; plus strand). Cytogenetic location: 13q14.3.
Variant type: single nucleotide variant.
Coding change: c.271G>A on transcript NM_024570.4 (MANE Select); coding-DNA position 271, G replaced by A.
Protein change: p.Val91Met; replaces valine 91 with methionine.
Molecular consequence: missense variant.
Genome position (GRCh38, 1-based): chr13:50,930,709, G>A. VCF-style: chr13-50930709-G-A. GRCh37 (hg19) VCF-style: chr13-51504845-G-A.
Other names: c.271G>A, p.Val91Met (NM_001142279.2, NM_001411023.1); short protein forms V91M.
Identifiers: ClinVar variation 2272439 (VCV002272439.7), dbSNP rs959811072, ClinGen allele CA249996734.